The following is an entry in ClinVar:

NM_000169.3(GLA):c.329C>T (p.Pro110Leu)

Genes: GLA (galactosidase alpha; minus strand), RPL36A-HNRNPH2 (RPL36A-HNRNPH2 readthrough; plus strand). Cytogenetic location: Xq22.1.
Variant type: single nucleotide variant.
Coding change: c.329C>T on transcript NM_000169.3 (MANE Select); coding-DNA position 329, C replaced by T.
Protein change: p.Pro110Leu; replaces proline 110 with leucine.
Molecular consequence: missense variant. On other transcripts: non-coding transcript variant (3), intron variant (2).
Genome position (GRCh38, 1-based): chrX:101,403,851, G>A on the plus strand (C>T on the coding strand, the complement: GLA is on the minus strand). VCF-style: chrX-101403851-G-A. GRCh37 (hg19) VCF-style: chrX-100658839-G-A.
Other names: c.452C>T, p.Pro151Leu (NM_001406747.1, NM_001406749.1); c.329C>T, p.Pro110Leu (NM_001406748.1); c.301-8085G>A (NM_001199973.2); c.178-8085G>A (NM_001199974.2); short protein forms P110L, P151L.
Identifiers: ClinVar variation 4757775 (VCV004757775.1).

ClinVar aggregate classification (germline): Uncertain significance (1 of 4 stars; one submission).

Conditions:
Fabry disease. Also called: Fabry's disease; ALPHA-GALACTOSIDASE A DEFICIENCY; ANDERSON-FABRY DISEASE; CERAMIDE TRIHEXOSIDASE DEFICIENCY; GLA DEFICIENCY; HEREDITARY DYSTOPIC LIPIDOSIS. Identifiers: Orphanet 324, MedGen C0002986, MONDO:0010526, OMIM 301500, HP:0001071. Disease mechanism: Fabry disease is due to inactivating mutations in the X-linked GLA gene resulting in deficiency of the enzyme Alpha Galactosidase-A., loss of function.

Submission:

Color Diagnostics, LLC DBA Color Health
Classification: Uncertain significance for Fabry disease. Last evaluated: 2025-08-14. Review status: criteria provided, single submitter. Criteria: ACMG Guidelines, 2015. Collection method: clinical testing. Allele origin: germline.
Comment: This missense variant replaces proline with leucine at codon 110 of the GLA protein. Computational prediction suggests that this variant may have deleterious impact on protein structure and function. To our knowledge, functional studies have not been reported for this variant. This variant has not been reported in individuals affected with GLA-related disorders in the literature. This variant has not been identified in the general population by the Genome Aggregation Database (gnomAD). The available evidence is insufficient to determine the role of this variant in disease conclusively. Therefore, this variant is classified as a Variant of Uncertain Significance.